The following is an entry in ClinVar:

NM_001270.4(CHD1):c.753T>A (p.Asp251Glu)

Gene: CHD1 (chromodomain helicase DNA binding protein 1; minus strand). Cytogenetic location: 5q21.1.
Variant type: single nucleotide variant.
Coding change: c.753T>A on transcript NM_001270.4 (MANE Select); coding-DNA position 753, T replaced by A.
Protein change: p.Asp251Glu; replaces aspartic acid 251 with glutamic acid.
Molecular consequence: missense variant. On other transcripts: non-coding transcript variant (2).
Genome position (GRCh38, 1-based): chr5:98,900,917, A>T on the plus strand (T>A on the coding strand, the complement: CHD1 is on the minus strand). VCF-style: chr5-98900917-A-T. GRCh37 (hg19) VCF-style: chr5-98236621-A-T.
Other names: c.753T>A, p.Asp251Glu (NM_001364113.3, NM_001376194.2); short protein forms D251E.
Identifiers: ClinVar variation 3383722 (VCV003383722.1).
Genomic context (GRCh38, chr5:98,900,917, plus strand): 5'-AAATTCCTCTTCCTCAGGTTGAGGAACATCCTCTCCACAGACTTCCAGTAGGTCATCAGA[A>T]TCTGTTTTCATTTCTTCATCCTCCTTATAGCTAACATTAACAGTTGCTTGGCGACGAGAA-3'
Protein context (NP_001261.2, residues 241-261): SYKEDEEMKT[Asp251Glu]SDDLLEVCGE

ClinVar aggregate classification (germline): Uncertain significance (1 of 4 stars; one submission).

Submission:

GeneDx
Classification: Uncertain significance. Last evaluated: 2024-05-29. Review status: criteria provided, single submitter. Criteria: GeneDx Variant Classification Process June 2021. Collection method: clinical testing. Allele origin: germline. Affected: yes.
Comment: Not observed at significant frequency in large population cohorts (gnomAD); In silico analysis supports that this missense variant has a deleterious effect on protein structure/function; Has not been previously published as pathogenic or benign to our knowledge